The following is an entry in ClinVar:

ClinVar aggregate classification (germline): Benign. Review status: criteria provided, multiple submitters, no conflicts (2 of 4 stars). 2 submissions from 2 submitters: Benign (2). Last evaluated 2026-02-02.

Allele frequency attached by ClinVar (database versions not stated): 1000 Genomes Project 0.00419; 1000 Genomes Project 30x 0.00453; TOPMed 0.00790; ExAC 0.00830; gnomAD 0.00838; ESP Exome Variant Server 0.01184; gnomAD exomes 0.01310.
gnomAD v4.1: 20,408 of 1,614,144 alleles (1.3%); highest among the groups gnomAD compares: Non-Finnish European, 1.6%; 183 homozygotes.

Submissions (2):

Labcorp Genetics (formerly Invitae), Labcorp
Classification: Benign. Last evaluated: 2026-02-02. Review status: criteria provided, single submitter. Criteria: Invitae Variant Classification Sherloc (09022015). Collection method: clinical testing. Allele origin: germline.

CeGaT Center for Human Genetics Tuebingen
Classification: Benign. Last evaluated: 2024-07-01. Review status: criteria provided, single submitter. Criteria: CeGaT Center For Human Genetics Tuebingen Variant Classification Criteria Version 2. Collection method: clinical testing. Allele origin: germline. Affected: yes. Observed: 6 variant alleles.
Comment: PLVAP: BP4, BS1, BS2

NM_031310.3(PLVAP):c.441C>A (p.Phe147Leu)

Gene: PLVAP (plasmalemma vesicle associated protein; minus strand). Cytogenetic location: 19p13.11.
Variant type: single nucleotide variant.
Coding change: c.441C>A on transcript NM_031310.3 (MANE Select); coding-DNA position 441, C replaced by A.
Protein change: p.Phe147Leu; replaces phenylalanine 147 with leucine.
Molecular consequence: missense variant.
Genome position (GRCh38, 1-based): chr19:17,366,124, G>T on the plus strand (C>A on the coding strand, the complement: PLVAP is on the minus strand). VCF-style: chr19-17366124-G-T. GRCh37 (hg19) VCF-style: chr19-17476933-G-T.
Other names: short protein forms F147L.
Identifiers: ClinVar variation 2038200 (VCV002038200.32), dbSNP rs34920409, ClinGen allele CA9294057.